The following is an entry in ClinVar:

ClinVar aggregate classification (germline): Likely pathogenic (1 of 4 stars; one submission).

Conditions:
KCNA3-associated developmental and epileptic encephalopathy.

Submission:

Institute of Human Genetics, University of Leipzig Medical Center
Classification: Likely pathogenic for KCNA3-associated developmental and epileptic encephalopathy. Last evaluated: 2023-11-21. Review status: criteria provided, single submitter. Criteria: ACMG Guidelines, 2015. Collection method: research. Allele origin: de novo. Inheritance: Autosomal dominant inheritance. Affected: yes. Observed: 1 variant allele.
Comment: This variant was identified as de novo (maternity and paternity confirmed). Criteria applied: PS3, PS2_MOD, PM2_SUP, PP3

Literature cited by the submitters: PubMed 37964487.

NM_002232.5(KCNA3):c.1574G>A (p.Ser525Asn)

Gene: KCNA3 (potassium voltage-gated channel subfamily A member 3; minus strand). Cytogenetic location: 1p13.3.
Variant type: single nucleotide variant.
Coding change: c.1574G>A on transcript NM_002232.5 (MANE Select); coding-DNA position 1574, G replaced by A.
Protein change: p.Ser525Asn; replaces serine 525 with asparagine.
Molecular consequence: missense variant.
Genome position (GRCh38, 1-based): chr1:110,673,236, C>T on the plus strand (G>A on the coding strand, the complement: KCNA3 is on the minus strand). VCF-style: chr1-110673236-C-T. GRCh37 (hg19) VCF-style: chr1-111215858-C-T.
Other names: short protein forms S525N.
Identifiers: ClinVar variation 3068741 (VCV003068741.1), dbSNP rs2524760741, ClinGen allele CA341807559.